The following is an entry in ClinVar:

NM_020937.4(FANCM):c.247T>G (p.Trp83Gly)

Gene: FANCM (FA complementation group M; plus strand). Cytogenetic location: 14q21.2.
Variant type: single nucleotide variant.
Coding change: c.247T>G on transcript NM_020937.4 (MANE Select); coding-DNA position 247, T replaced by G.
Protein change: p.Trp83Gly; replaces tryptophan 83 with glycine.
Molecular consequence: missense variant.
Genome position (GRCh38, 1-based): chr14:45,136,278, T>G. VCF-style: chr14-45136278-T-G. GRCh37 (hg19) VCF-style: chr14-45605481-T-G.
Other names: c.247T>G, p.Trp83Gly (NM_001308133.2, NM_001308134.2); short protein forms W83G.
Identifiers: ClinVar variation 962577 (VCV000962577.10), dbSNP rs1885493663, ClinGen allele CA389587558.

ClinVar aggregate classification (germline): Uncertain significance. Review status: criteria provided, multiple submitters, no conflicts (2 of 4 stars). 2 submissions from 2 submitters: Uncertain significance (2). Last evaluated 2026-08-20.

Conditions:
Inborn genetic diseases. Identifiers: MedGen C0950123, MeSH D030342.
Fanconi anemia (FA). Also called: Fanconi's anemia. Identifiers: Orphanet 84, MedGen C0015625, MeSH D005199, MONDO:0019391.

Submissions (2):

Ambry Genetics
Classification: Uncertain significance for Inborn genetic diseases. Last evaluated: 2026-08-20. Review status: criteria provided, single submitter. Criteria: Ambry Variant Classification Scheme 2023. Collection method: clinical testing. Allele origin: germline.
Comment: The p.W83G variant (also known as c.247T>G), located in coding exon 1 of the FANCM gene, results from a T to G substitution at nucleotide position 247. The tryptophan at codon 83 is replaced by glycine, an amino acid with highly dissimilar properties. This amino acid position is conserved. In addition, this alteration is predicted to be deleterious by in silico analysis. Based on the available evidence, the clinical significance of this variant remains unclear.

Labcorp Genetics (formerly Invitae), Labcorp
Classification: Uncertain significance for Fanconi anemia. Last evaluated: 2019-08-29. Review status: criteria provided, single submitter. Criteria: Invitae Variant Classification Sherloc (09022015). Collection method: clinical testing. Allele origin: germline.
Comment: This sequence change replaces tryptophan with glycine at codon 83 of the FANCM protein (p.Trp83Gly). The tryptophan residue is moderately conserved and there is a large physicochemical difference between tryptophan and glycine. In summary, the available evidence is currently insufficient to determine the role of this variant in disease. Therefore, it has been classified as a Variant of Uncertain Significance. Algorithms developed to predict the effect of missense changes on protein structure and function are either unavailable or do not agree on the potential impact of this missense change (SIFT: "Deleterious"; PolyPhen-2: "Possibly Damaging"; Align-GVGD: "Class C0"). This variant has not been reported in the literature in individuals with FANCM-related conditions. This variant is not present in population databases (ExAC no frequency).